The following is an entry in ClinVar:

NM_000238.4(KCNH2):c.2675G>T (p.Arg892Leu)

Gene: KCNH2 (potassium voltage-gated channel subfamily H member 2; minus strand). Cytogenetic location: 7q36.1.
Variant type: single nucleotide variant.
Coding change: c.2675G>T on transcript NM_000238.4 (MANE Select); coding-DNA position 2675, G replaced by T.
Protein change: p.Arg892Leu; replaces arginine 892 with leucine.
Molecular consequence: missense variant.
Genome position (GRCh38, 1-based): chr7:150,948,461, C>A on the plus strand (G>T on the coding strand, the complement: KCNH2 is on the minus strand). VCF-style: chr7-150948461-C-A. GRCh37 (hg19) VCF-style: chr7-150645549-C-A.
Other names: c.1655G>T, p.Arg552Leu (NM_172057.3); short protein forms R552L, R892L.
Identifiers: ClinVar variation 1343895 (VCV001343895.5), dbSNP rs774216337, ClinGen allele CA369853653.

ClinVar aggregate classification (germline): Uncertain significance. Review status: criteria provided, multiple submitters, no conflicts (2 of 4 stars). 2 submissions from 2 submitters: Uncertain significance (2). Last evaluated 2025-01-19.

Conditions:
Long QT syndrome (LQTS). Identifiers: MedGen C0023976, MeSH D008133, MONDO:0002442. Disease mechanism: loss of function. Inheritance: Various modes of inheritance.

gnomAD v4.1: 1 of 1,589,898 alleles (0.000063%); highest among the groups gnomAD compares: Admixed American, 0.0017%; no homozygotes.

Submissions (2):

Labcorp Genetics (formerly Invitae), Labcorp
Classification: Uncertain significance for Long QT syndrome. Last evaluated: 2025-01-19. Review status: criteria provided, single submitter. Criteria: Invitae Variant Classification Sherloc (09022015). Collection method: clinical testing. Allele origin: germline.
Comment: This sequence change replaces arginine, which is basic and polar, with leucine, which is neutral and non-polar, at codon 892 of the KCNH2 protein (p.Arg892Leu). This variant is not present in population databases (gnomAD no frequency). This variant has not been reported in the literature in individuals affected with KCNH2-related conditions. ClinVar contains an entry for this variant (Variation ID: 1343895). An algorithm developed to predict the effect of missense changes on protein structure and function (PolyPhen-2) suggests that this variant is likely to be disruptive. In summary, the available evidence is currently insufficient to determine the role of this variant in disease. Therefore, it has been classified as a Variant of Uncertain Significance.

GeneDx
Classification: Uncertain significance. Last evaluated: 2021-09-08. Review status: criteria provided, single submitter. Criteria: GeneDx Variant Classification Process June 2021. Collection method: clinical testing. Allele origin: germline. Affected: yes.
Comment: Has not been previously published as pathogenic or benign to our knowledge; In silico analysis supports that this missense variant has a deleterious effect on protein structure/function